The following is an entry in ClinVar:

ClinVar aggregate classification (germline): Conflicting classifications of pathogenicity. Review status: criteria provided, conflicting classifications (1 of 4 stars). 2 submissions from 2 submitters: Pathogenic (1); Uncertain significance (1). Last evaluated 2025-02-19.

Conditions:
Hereditary cancer-predisposing syndrome. Also called: Tumor predisposition; Neoplastic Syndromes, Hereditary; Hereditary neoplastic syndrome; Hereditary Cancer Syndrome. Identifiers: Orphanet 140162, MedGen C0027672, MeSH D009386, MONDO:0015356.

gnomAD v4.1: 1 of 1,578,700 alleles (0.000063%); highest among the groups gnomAD compares: Non-Finnish European, 0.000086%; no homozygotes.

Submissions (2):

Labcorp Genetics (formerly Invitae), Labcorp
Classification: Pathogenic. Last evaluated: 2025-02-19. Review status: criteria provided, single submitter. Criteria: Invitae Variant Classification Sherloc (09022015). Collection method: clinical testing. Allele origin: germline.
Comment: This sequence change creates a premature translational stop signal (p.Tyr1652*) in the POLE gene. It is expected to result in an absent or disrupted protein product. Loss-of-function variants in POLE are known to be pathogenic (PMID: 23230001, 25948378, 30503519). This variant is not present in population databases (gnomAD no frequency). This variant has not been reported in the literature in individuals affected with POLE-related conditions. ClinVar contains an entry for this variant (Variation ID: 1019235). Algorithms developed to predict the effect of sequence changes on RNA splicing suggest that this variant may create or strengthen a splice site. For these reasons, this variant has been classified as Pathogenic.

Ambry Genetics
Classification: Uncertain significance for Hereditary cancer-predisposing syndrome. Last evaluated: 2025-01-14. Review status: criteria provided, single submitter. Criteria: Ambry Variant Classification Scheme 2023. Collection method: clinical testing. Allele origin: germline.
Comment: The p.Y1652* variant (also known as c.4956C>G), located in coding exon 38 of the POLE gene, results from a C to G substitution at nucleotide position 4956. This changes the amino acid from a tyrosine to a stop codon within coding exon 38. This alteration is expected to result in loss of function by premature protein truncation or nonsense-mediated mRNA decay. Loss-of-function variants subject to nonsense mediated decay (NMD) in POLE are known to cause POLE deficiency; however, such associations with POLE-related polymerase proofreading-associated polyposis (PPAP) have not been reported. Based on the supporting evidence, this alteration is pathogenic for POLE deficiency; however, the association of this alteration with POLE-related PPAP is unknown.

Literature cited by the submitters: PubMed 23230001 (cited by Labcorp Genetics (formerly Invitae), Labcorp); PubMed 25948378 (cited by Labcorp Genetics (formerly Invitae), Labcorp); PubMed 30503519 (cited by Labcorp Genetics (formerly Invitae), Labcorp).

NM_006231.4(POLE):c.4956C>G (p.Tyr1652Ter)

Gene: POLE (DNA polymerase epsilon, catalytic subunit; minus strand). Cytogenetic location: 12q24.33.
Variant type: single nucleotide variant.
Coding change: c.4956C>G on transcript NM_006231.4 (MANE Select); coding-DNA position 4956, C replaced by G.
Protein change: p.Tyr1652Ter; replaces tyrosine 1652 with a stop codon.
Molecular consequence: nonsense.
Genome position (GRCh38, 1-based): chr12:132,642,394, G>C on the plus strand (C>G on the coding strand, the complement: POLE is on the minus strand). VCF-style: chr12-132642394-G-C. GRCh37 (hg19) VCF-style: chr12-133218980-G-C.
Other names: c.4956C>G (NM_006231.2); short protein forms Y1652*.
Identifiers: ClinVar variation 1019235 (VCV001019235.9), dbSNP rs1468753963, ClinGen allele CA387377712.